The following is an entry in ClinVar:

ClinVar aggregate classification (germline): Uncertain significance (1 of 4 stars; one submission).

Submission:

Labcorp Genetics (formerly Invitae), Labcorp
Classification: Uncertain significance. Last evaluated: 2022-11-17. Review status: criteria provided, single submitter. Criteria: Invitae Variant Classification Sherloc (09022015). Collection method: clinical testing. Allele origin: germline.
Comment: In summary, the available evidence is currently insufficient to determine the role of this variant in disease. Therefore, it has been classified as a Variant of Uncertain Significance. Algorithms developed to predict the effect of sequence changes on RNA splicing suggest that this variant may create or strengthen a splice site. This variant has not been reported in the literature in individuals affected with CLCN2-related conditions. This variant is not present in population databases (gnomAD no frequency). This sequence change falls in intron 21 of the CLCN2 gene. It does not directly change the encoded amino acid sequence of the CLCN2 protein.

NM_004366.6(CLCN2):c.2311-18A>T

Gene: CLCN2 (chloride voltage-gated channel 2; minus strand). Cytogenetic location: 3q27.1.
Variant type: single nucleotide variant.
Coding change: c.2311-18A>T on transcript NM_004366.6 (MANE Select); 18 bases into the intron before coding-DNA position 2311, A replaced by T.
Molecular consequence: intron variant.
Genome position (GRCh38, 1-based): chr3:184,352,135, T>A on the plus strand (A>T on the coding strand, the complement: CLCN2 is on the minus strand). VCF-style: chr3-184352135-T-A. GRCh37 (hg19) VCF-style: chr3-184069923-T-A.
Other names: c.2179-18A>T (NM_001171088.3); c.2260-18A>T (NM_001171087.3); c.2311-18A>T (NM_001171089.3).
Identifiers: ClinVar variation 3019780 (VCV003019780.3), dbSNP rs201383808, ClinGen allele CA2577978746.
Genomic context (GRCh38, chr3:184,352,135, plus strand): 5'-AGTTGACAGGTTCATCTAGTTGCTGCTCCTCCCACTCCAGAATCTGAGGGGAAGAGACTA[T>A]GAGGTTTAGGGAGAAGGTGCCTGTAGCTGACCTCACCTCCCTGAAAGCTGGCCTGCCCTT-3'